The following is an entry in ClinVar:

NM_004787.4(SLIT2):c.3309C>T (p.Pro1103=)

Gene: SLIT2 (slit guidance ligand 2; plus strand). Cytogenetic location: 4p15.31.
Variant type: single nucleotide variant.
Coding change: c.3309C>T on transcript NM_004787.4 (MANE Select); coding-DNA position 3309, C replaced by T.
Protein change: p.Pro1103=; no amino-acid change (proline 1103 retained).
Molecular consequence: synonymous variant.
Genome position (GRCh38, 1-based): chr4:20,595,823, C>T. VCF-style: chr4-20595823-C-T. GRCh37 (hg19) VCF-style: chr4-20597446-C-T.
Other names: c.3309C>T (NM_004787.3); c.3297C>T, p.Pro1099= (NM_001289135.3); c.3285C>T, p.Pro1095= (NM_001289136.3).
Identifiers: ClinVar variation 2143589 (VCV002143589.6), dbSNP rs141485155, ClinGen allele CA2872139.

ClinVar aggregate classification (germline): Likely benign. Review status: criteria provided, single submitter (1 of 4 stars). 2 submissions from 2 submitters: Likely benign (1). 1 of the submissions does not count toward it. Last evaluated 2025-07-21.

Conditions:
SLIT2-related disorder. Also called: SLIT2-related condition.

Allele frequency attached by ClinVar (database versions not stated): 1000 Genomes Project 30x 0.00031; 1000 Genomes Project 0.00040; ESP Exome Variant Server 0.00146.
gnomAD v4.1: 1,726 of 1,613,376 alleles (0.11%); highest among the groups gnomAD compares: African/African-American, 0.13%; 2 homozygotes.

Submissions (2):

Labcorp Genetics (formerly Invitae), Labcorp
Classification: Likely benign. Last evaluated: 2025-07-21. Review status: criteria provided, single submitter. Criteria: Invitae Variant Classification Sherloc (09022015). Collection method: clinical testing. Allele origin: germline.

PreventionGenetics, part of Exact Sciences
Classification: Likely benign for SLIT2-related condition. Last evaluated: 2019-07-16. Review status: no assertion criteria provided. Collection method: clinical testing. Allele origin: germline. Not counted in ClinVar's aggregate classification.
Comment: This variant is classified as likely benign based on ACMG/AMP sequence variant interpretation guidelines (Richards et al. 2015 PMID: 25741868, with internal and published modifications).